The following is an entry in ClinVar:

NM_001364905.1(LRBA):c.910A>G (p.Ile304Val)

Gene: LRBA (LPS responsive beige-like anchor protein; minus strand). Cytogenetic location: 4q31.3.
Variant type: single nucleotide variant.
Coding change: c.910A>G on transcript NM_001364905.1 (MANE Select); coding-DNA position 910, A replaced by G.
Protein change: p.Ile304Val; replaces isoleucine 304 with valine.
Molecular consequence: missense variant.
Genome position (GRCh38, 1-based): chr4:150,915,712, T>C on the plus strand (A>G on the coding strand, the complement: LRBA is on the minus strand). VCF-style: chr4-150915712-T-C. GRCh37 (hg19) VCF-style: chr4-151836864-T-C.
Other names: c.910A>G, p.Ile304Val (NM_001199282.3, NM_001367550.1, NM_006726.5); short protein forms I304V.
Identifiers: ClinVar variation 856568 (VCV000856568.9), dbSNP rs758438007, ClinGen allele CA3103718.

ClinVar aggregate classification (germline): Uncertain significance (1 of 4 stars; one submission).

Conditions:
Combined immunodeficiency due to LRBA deficiency. Also called: Common variable immunodeficiency 8, with autoimmunity. Identifiers: Orphanet 445018, MedGen C3553512, MONDO:0013863, OMIM 614700.

Allele frequency attached by ClinVar (database versions not stated): gnomAD exomes below 0.00001 and 0.00001; TOPMed below 0.00001; ExAC 0.00002.
gnomAD v4.1: 2 of 1,608,482 alleles (0.00012%); highest among the groups gnomAD compares: Admixed American, 0.0017%; no homozygotes.

Submission:

Labcorp Genetics (formerly Invitae), Labcorp
Classification: Uncertain significance for Combined immunodeficiency due to LRBA deficiency. Last evaluated: 2019-03-25. Review status: criteria provided, single submitter. Criteria: Invitae Variant Classification Sherloc (09022015). Collection method: clinical testing. Allele origin: germline.
Comment: In summary, the available evidence is currently insufficient to determine the role of this variant in disease. Therefore, it has been classified as a Variant of Uncertain Significance. Algorithms developed to predict the effect of missense changes on protein structure and function (SIFT, PolyPhen-2, Align-GVGD) all suggest that this variant is likely to be tolerated, but these predictions have not been confirmed by published functional studies and their clinical significance is uncertain. This variant has not been reported in the literature in individuals with LRBA-related conditions. This sequence change replaces isoleucine with valine at codon 304 of the LRBA protein (p.Ile304Val). The isoleucine residue is moderately conserved and there is a small physicochemical difference between isoleucine and valine. This variant is present in population databases (rs758438007, ExAC 0.01%).